The following is an entry in ClinVar:

ClinVar aggregate classification (germline): Uncertain significance (1 of 4 stars; one submission).

Allele frequency attached by ClinVar (database versions not stated): gnomAD exomes below 0.00001.
gnomAD v4.1: 1 of 1,614,146 alleles (0.000062%); highest among the groups gnomAD compares: Non-Finnish European, 0.000085%; no homozygotes.

Submission:

Ambry Genetics
Classification: Uncertain significance. Last evaluated: 2023-09-15. Review status: criteria provided, single submitter. Criteria: Ambry Variant Classification Scheme 2023. Collection method: clinical testing. Allele origin: germline.
Comment: The p.P1176L variant (also known as c.3527C>T), located in coding exon 4 of the ALPK2 gene, results from a C to T substitution at nucleotide position 3527. The proline at codon 1176 is replaced by leucine, an amino acid with similar properties. This amino acid position is conserved. In addition, this alteration is predicted to be tolerated by in silico analysis. Since supporting evidence is limited at this time, the clinical significance of this alteration remains unclear.

NM_052947.4(ALPK2):c.3527C>T (p.Pro1176Leu)

Gene: ALPK2 (alpha kinase 2; minus strand). Cytogenetic location: 18q21.31.
Variant type: single nucleotide variant.
Coding change: c.3527C>T on transcript NM_052947.4 (MANE Select); coding-DNA position 3527, C replaced by T.
Protein change: p.Pro1176Leu; replaces proline 1176 with leucine.
Molecular consequence: missense variant.
Genome position (GRCh38, 1-based): chr18:58,536,660, G>A on the plus strand (C>T on the coding strand, the complement: ALPK2 is on the minus strand). VCF-style: chr18-58536660-G-A. GRCh37 (hg19) VCF-style: chr18-56203892-G-A.
Other names: short protein forms P1176L.
Identifiers: ClinVar variation 3228694 (VCV003228694.1), dbSNP rs2518876344, ClinGen allele CA402566543.
Genomic context (GRCh38, chr18:58,536,660, plus strand): 5'-ACCACGGAGACCCTCGTCCCCCAACCTGAGCGCTGCCCTGCTCCTTCCCTAGAGCTTGCG[G>A]GTGAGTGGGCCGTGGGCACCAAGTTTCTTTCCTCTTGTGCAGCAGATGTCGTAGGCAAAC-3'
Protein context (NP_443179.3, residues 1166-1186): ERNLVPTAHS[Pro1176Leu]ASSREGAGQR